The following is an entry in ClinVar:

ClinVar aggregate classification (germline): Uncertain significance (1 of 4 stars; one submission).

Allele frequency attached by ClinVar (database versions not stated): gnomAD exomes 0.00001.
gnomAD v4.1: 8 of 1,614,206 alleles (0.0005%); highest among the groups gnomAD compares: Non-Finnish European, 0.00068%; no homozygotes.

Submission:

Labcorp Genetics (formerly Invitae), Labcorp
Classification: Uncertain significance. Last evaluated: 2026-01-07. Review status: criteria provided, single submitter. Criteria: Invitae Variant Classification Sherloc (09022015). Collection method: clinical testing. Allele origin: germline.
Comment: This sequence change replaces glutamic acid, which is acidic and polar, with valine, which is neutral and non-polar, at codon 2252 of the GPR179 protein (p.Glu2252Val). This variant is not present in population databases (gnomAD no frequency). This variant has not been reported in the literature in individuals affected with GPR179-related conditions. ClinVar contains an entry for this variant (Variation ID: 1964677). An algorithm developed to predict the effect of missense changes on protein structure and function (PolyPhen-2) suggests that this variant is likely to be tolerated. In summary, the available evidence is currently insufficient to determine the role of this variant in disease. Therefore, it has been classified as a Variant of Uncertain Significance.

NM_001004334.4(GPR179):c.6755A>T (p.Glu2252Val)

Gene: GPR179 (G protein-coupled receptor 179; minus strand). Cytogenetic location: 17q12.
Variant type: single nucleotide variant.
Coding change: c.6755A>T on transcript NM_001004334.4 (MANE Select); coding-DNA position 6755, A replaced by T.
Protein change: p.Glu2252Val; replaces glutamic acid 2252 with valine.
Molecular consequence: missense variant.
Genome position (GRCh38, 1-based): chr17:38,326,814, T>A on the plus strand (A>T on the coding strand, the complement: GPR179 is on the minus strand). VCF-style: chr17-38326814-T-A. GRCh37 (hg19) VCF-style: chr17-36482697-T-A.
Other names: short protein forms E2252V.
Identifiers: ClinVar variation 1964677 (VCV001964677.5), dbSNP rs2037290728, ClinGen allele CA398868472.